The following is an entry in ClinVar:

NM_004281.4(BAG3):c.1032A>T (p.Lys344Asn)

Gene: BAG3 (BAG cochaperone 3; plus strand). Cytogenetic location: 10q26.11.
Variant type: single nucleotide variant.
Coding change: c.1032A>T on transcript NM_004281.4 (MANE Select); coding-DNA position 1032, A replaced by T.
Protein change: p.Lys344Asn; replaces lysine 344 with asparagine.
Molecular consequence: missense variant.
Genome position (GRCh38, 1-based): chr10:119,676,586, A>T. VCF-style: chr10-119676586-A-T. GRCh37 (hg19) VCF-style: chr10-121436098-A-T.
Other names: c.1032A>T (NM_004281.3); short protein forms K344N.
Identifiers: ClinVar variation 1462773 (VCV001462773.10), dbSNP rs2134068785, ClinGen allele CA378296499.
Genomic context (GRCh38, chr10:119,676,586, plus strand): 5'-GCCAGGCCCAGTTGGACCAGAACTCCCTCCTGGACACATCCCAATTCAAGTGATCCGCAA[A>T]GAGGTGGATTCTAAACCTGTTTCCCAGAAGCCCCCACCTCCCTCTGAGAAGGTAGAGGTG-3'
Protein context (NP_004272.2, residues 334-354): PGHIPIQVIR[Lys344Asn]EVDSKPVSQK

ClinVar aggregate classification (germline): Uncertain significance. Review status: criteria provided, multiple submitters, no conflicts (2 of 4 stars). 3 submissions from 3 submitters: Uncertain significance (3). Last evaluated 2026-05-14.

Conditions:
Cardiovascular phenotype. Identifiers: MedGen CN230736.
Myofibrillar myopathy 6. Identifiers: Orphanet 199340, MedGen C2751831, MONDO:0013061, OMIM 612954.
Dilated cardiomyopathy 1HH (CMD1HH). Identifiers: Orphanet 154, MedGen C3151293, MONDO:0013479, OMIM 613881.

Submissions (3):

Ambry Genetics
Classification: Uncertain significance for Cardiovascular phenotype. Last evaluated: 2026-05-14. Review status: criteria provided, single submitter. Criteria: Ambry Variant Classification Scheme 2023. Collection method: clinical testing. Allele origin: germline.
Comment: The p.K344N variant (also known as c.1032A>T), located in coding exon 4 of the BAG3 gene, results from an A to T substitution at nucleotide position 1032. The lysine at codon 344 is replaced by asparagine, an amino acid with similar properties. This amino acid position is conserved. In addition, this alteration is predicted to be tolerated by in silico analysis. Based on the available evidence, the clinical significance of this variant remains unclear.

Labcorp Genetics (formerly Invitae), Labcorp
Classification: Uncertain significance for Dilated cardiomyopathy 1HH; Myofibrillar myopathy 6. Last evaluated: 2025-03-07. Review status: criteria provided, single submitter. Criteria: Invitae Variant Classification Sherloc (09022015). Collection method: clinical testing. Allele origin: germline.
Comment: This sequence change replaces lysine, which is basic and polar, with asparagine, which is neutral and polar, at codon 344 of the BAG3 protein (p.Lys344Asn). This variant is not present in population databases (gnomAD no frequency). This variant has not been reported in the literature in individuals affected with BAG3-related conditions. ClinVar contains an entry for this variant (Variation ID: 1462773). Invitae Evidence Modeling of protein sequence and biophysical properties (such as structural, functional, and spatial information, amino acid conservation, physicochemical variation, residue mobility, and thermodynamic stability) indicates that this missense variant is not expected to disrupt BAG3 protein function with a negative predictive value of 80%. In summary, the available evidence is currently insufficient to determine the role of this variant in disease. Therefore, it has been classified as a Variant of Uncertain Significance.

Blueprint Genetics
Classification: Uncertain significance. Last evaluated: 2017-09-20. Review status: criteria provided, single submitter. Criteria: ACMG Guidelines, 2015. Collection method: clinical testing. Allele origin: germline.